The following is an entry in ClinVar:

ClinVar aggregate classification (germline): Uncertain significance (1 of 4 stars; one submission).

Allele frequency attached by ClinVar (database versions not stated): gnomAD exomes below 0.00001; ExAC 0.00001.
gnomAD v4.1: 2 of 1,603,982 alleles (0.00012%); highest among the groups gnomAD compares: Non-Finnish European, 0.00017%; no homozygotes.

Submission:

Labcorp Genetics (formerly Invitae), Labcorp
Classification: Uncertain significance. Last evaluated: 2022-01-27. Review status: criteria provided, single submitter. Criteria: Invitae Variant Classification Sherloc (09022015). Collection method: clinical testing. Allele origin: germline.
Comment: This sequence change replaces alanine, which is neutral and non-polar, with aspartic acid, which is acidic and polar, at codon 213 of the KL protein (p.Ala213Asp). The frequency data for this variant in the population databases is considered unreliable, as metrics indicate poor data quality at this position in the gnomAD database. This variant has not been reported in the literature in individuals affected with KL-related conditions. Algorithms developed to predict the effect of missense changes on protein structure and function are either unavailable or do not agree on the potential impact of this missense change (SIFT: "Deleterious"; PolyPhen-2: "Possibly Damaging"; Align-GVGD: "Class C0"). In summary, the available evidence is currently insufficient to determine the role of this variant in disease. Therefore, it has been classified as a Variant of Uncertain Significance.

NM_004795.4(KL):c.638C>A (p.Ala213Asp)

Gene: KL (klotho; plus strand). Cytogenetic location: 13q13.1.
Variant type: single nucleotide variant.
Coding change: c.638C>A on transcript NM_004795.4 (MANE Select); coding-DNA position 638, C replaced by A.
Protein change: p.Ala213Asp; replaces alanine 213 with aspartic acid.
Molecular consequence: missense variant.
Genome position (GRCh38, 1-based): chr13:33,017,078, C>A. VCF-style: chr13-33017078-C-A. GRCh37 (hg19) VCF-style: chr13-33591216-C-A.
Other names: short protein forms A213D.
Identifiers: ClinVar variation 1404478 (VCV001404478.8), dbSNP rs748726818, ClinGen allele CA6943930.
Genomic context (GRCh38, chr13:33,017,078, plus strand): 5'-ACTGGGACCTGCCCCAGCGCCTGCAGGACGCCTACGGCGGCTGGGCCAACCGCGCCCTGG[C>A]CGACCACTTCAGGGATTACGCGGAGCTCTGCTTCCGCCACTTCGGCGGTCAGGTCAAGTA-3'
Protein context (NP_004786.2, residues 203-223): AYGGWANRAL[Ala213Asp]DHFRDYAELC